The following is an entry in ClinVar:

NM_006904.7(PRKDC):c.2817G>C (p.Met939Ile)

Gene: PRKDC (protein kinase, DNA-activated, catalytic subunit; minus strand). Cytogenetic location: 8q11.21.
Variant type: single nucleotide variant.
Coding change: c.2817G>C on transcript NM_006904.7 (MANE Select); coding-DNA position 2817, G replaced by C.
Protein change: p.Met939Ile; replaces methionine 939 with isoleucine.
Molecular consequence: missense variant.
Genome position (GRCh38, 1-based): chr8:47,912,527, C>G on the plus strand (G>C on the coding strand, the complement: PRKDC is on the minus strand). VCF-style: chr8-47912527-C-G. GRCh37 (hg19) VCF-style: chr8-48825087-C-G.
Other names: c.2817G>C, p.Met939Ile (NM_001081640.2); short protein forms M939I.
Identifiers: ClinVar variation 1504185 (VCV001504185.6), dbSNP rs1026517720, ClinGen allele CA176159976.

ClinVar aggregate classification (germline): Uncertain significance (1 of 4 stars; one submission).

Conditions:
Severe combined immunodeficiency due to DNA-PKcs deficiency. Also called: IMMUNODEFICIENCY 26 WITH NEUROLOGIC ABNORMALITIES; Immunodeficiency 26 with or without neurologic abnormalities. Identifiers: Orphanet 317425, MedGen C4014833, MONDO:0014423, OMIM 615966.

gnomAD v4.1: 8 of 1,612,836 alleles (0.0005%); highest among the groups gnomAD compares: Non-Finnish European, 0.00068%; no homozygotes.

Submission:

Labcorp Genetics (formerly Invitae), Labcorp
Classification: Uncertain significance for Severe combined immunodeficiency due to DNA-PKcs deficiency. Last evaluated: 2022-11-01. Review status: criteria provided, single submitter. Criteria: Invitae Variant Classification Sherloc (09022015). Collection method: clinical testing. Allele origin: germline.
Comment: ClinVar contains an entry for this variant (Variation ID: 1504185). This sequence change replaces methionine, which is neutral and non-polar, with isoleucine, which is neutral and non-polar, at codon 939 of the PRKDC protein (p.Met939Ile). This variant is not present in population databases (gnomAD no frequency). This variant has not been reported in the literature in individuals affected with PRKDC-related conditions. Advanced modeling of protein sequence and biophysical properties (such as structural, functional, and spatial information, amino acid conservation, physicochemical variation, residue mobility, and thermodynamic stability) performed at Invitae indicates that this missense variant is not expected to disrupt PRKDC protein function. In summary, the available evidence is currently insufficient to determine the role of this variant in disease. Therefore, it has been classified as a Variant of Uncertain Significance.